The following is an entry in ClinVar:

NM_002838.5(PTPRC):c.2620del (p.Glu874fs)

Gene: PTPRC (protein tyrosine phosphatase receptor type C; plus strand). Cytogenetic location: 1q32.1.
Variant type: Deletion.
Coding change: c.2620del on transcript NM_002838.5 (MANE Select); coding-DNA position 2620, one base deleted (G; older notation c.2620delG).
Protein change: p.Glu874fs; shifts the reading frame from glutamic acid 874.
Molecular consequence: frameshift variant.
Genome position (GRCh38, 1-based): chr1:198,742,290, G deleted; the last of 2 consecutive G bases (chr1:198,742,289-198,742,290); deleting either gives the same sequence. VCF-style (leftmost placement, unchanged base first): chr1-198742288-TG-T. GRCh37 (hg19) VCF-style: chr1-198711417-TG-T.
Other names: c.2137del, p.Glu713fs (NM_080921.4); short protein forms E874fs, E713fs.
Identifiers: ClinVar variation 2864416 (VCV002864416.3), dbSNP rs2527993395, ClinGen allele CA2739275525.

ClinVar aggregate classification (germline): Pathogenic (1 of 4 stars; one submission).

Conditions:
Immunodeficiency 104. Also called: SCID, AUTOSOMAL RECESSIVE, T CELL-NEGATIVE, B CELL-POSITIVE, NK CELL-POSITIVE; Severe combined immunodeficiency, autosomal recessive, T cell-negative, B cell-positive, NK cell-positive; IMMUNODEFICIENCY 104, SEVERE COMBINED; Severe Combined Immune Deficiency, Autosomal Recessive, TCell -Negative, B Cell-Positive, NK Cell-Positive, IL7R-Related. Identifiers: MedGen C5676890, MONDO:0012163, OMIM 608971.

Submission:

Labcorp Genetics (formerly Invitae), Labcorp
Classification: Pathogenic for Immunodeficiency 104. Last evaluated: 2023-05-15. Review status: criteria provided, single submitter. Criteria: Invitae Variant Classification Sherloc (09022015). Collection method: clinical testing. Allele origin: germline.
Comment: For these reasons, this variant has been classified as Pathogenic. This variant has not been reported in the literature in individuals affected with PTPRC-related conditions. This variant is not present in population databases (gnomAD no frequency). This sequence change creates a premature translational stop signal (p.Glu874Lysfs*15) in the PTPRC gene. It is expected to result in an absent or disrupted protein product. Loss-of-function variants in PTPRC are known to be pathogenic (PMID: 10700239).

Literature cited by the submitters: PubMed 10700239.